The following is an entry in ClinVar:

NM_000059.4(BRCA2):c.9085G>A (p.Ala3029Thr)

Gene: BRCA2 (BRCA2 DNA repair associated; plus strand). Cytogenetic location: 13q13.1.
Variant type: single nucleotide variant.
Coding change: c.9085G>A on transcript NM_000059.4 (MANE Select); coding-DNA position 9085, G replaced by A.
Protein change: p.Ala3029Thr; replaces alanine 3029 with threonine.
Molecular consequence: missense variant.
Genome position (GRCh38, 1-based): chr13:32,379,881, G>A. VCF-style: chr13-32379881-G-A. GRCh37 (hg19) VCF-style: chr13-32954018-G-A.
Other names: p.A3029T:GCG>ACG; 9313G>A; short protein forms A3029T.
Identifiers: ClinVar variation 52743 (VCV000052743.33), dbSNP rs56179254, ClinGen allele CA025965.
Genomic context (GRCh38, chr13:32,379,881, plus strand): 5'-TATCATCTTGCAACTTCAAAATCTAAAAGTAAATCTGAAAGAGCTAACATACAGTTAGCA[G>A]CGACAAAAAAAACTCAGTATCAACAACTACCGGTACAAACCTTTCATTGTAATTTTTCAG-3'
Protein context (NP_000050.3, residues 3019-3039): KSERANIQLA[Ala3029Thr]TKKTQYQQLP

ClinVar aggregate classification (germline): Conflicting classifications of pathogenicity. Review status: criteria provided, conflicting classifications (1 of 4 stars). 16 submissions from 16 submitters: Uncertain significance (1); Benign (4); Likely benign (7). 4 of the submissions do not count toward it. Last evaluated 2026-06-26.

Conditions:
Hereditary cancer-predisposing syndrome. Also called: Hereditary Cancer Syndrome; Neoplastic Syndromes, Hereditary; Hereditary neoplastic syndrome; Tumor predisposition. Identifiers: Orphanet 140162, MedGen C0027672, MeSH D009386, MONDO:0015356.
Breast neoplasm. Also called: Neoplasm of breast; Breast tumor; Breast Neoplasms; Neoplasm of the breast. Identifiers: MedGen C1458155, MeSH D001943, MONDO:0021100, HP:0100013. Disease mechanism: gain of function.
BRCA2-related disorder. Also called: BRCA2-related condition; BRCA2-related disorders. Identifiers: MedGen CN239275.
Hereditary breast ovarian cancer syndrome. Also called: Hereditary breast and ovarian cancer syndrome; Breast and ovarian cancer; BRCA1- and BRCA2-Associated Hereditary Breast and Ovarian Cancer; Hereditary breast and/or ovarian cancer syndrome; Hereditary breast and ovarian cancer; Hereditary breast and ovarian cancer syndrome (HBOC). Identifiers: Orphanet 145, MedGen C0677776, MeSH D061325, MONDO:0003582. Disease mechanism: loss of function.
Breast-ovarian cancer, familial, susceptibility to, 2 (BROVCA2). Also called: BRCA2 Hereditary Breast and Ovarian Cancer. Identifiers: Orphanet 145, MedGen C2675520, MONDO:0012933, OMIM 612555. Disease mechanism: loss of function.
Malignant tumor of breast. Also called: Malignant breast neoplasm; Cancer breast. Identifiers: MedGen C0006142, MONDO:0007254. Disease mechanism: loss of function.

Allele frequency attached by ClinVar (database versions not stated): gnomAD 0.00002; TOPMed 0.00003; gnomAD exomes 0.00004 and 0.00007; ExAC 0.00005; ESP Exome Variant Server 0.00008.
gnomAD v4.1: 65 of 1,613,648 alleles (0.004%); highest among the groups gnomAD compares: Non-Finnish European, 0.00051%; no homozygotes.

Submissions (16):

PreventionGenetics, part of Exact Sciences
Classification: Likely benign for BRCA2-related condition. Last evaluated: 2026-06-26. Review status: criteria provided, single submitter. Criteria: ACMG Guidelines, 2015. Collection method: clinical testing. Allele origin: germline.
Comment: This variant is classified as likely benign based on ACMG/AMP sequence variant interpretation guidelines (Richards et al. 2015 PMID: 25741868, with internal and published modifications).

Labcorp Genetics (formerly Invitae), Labcorp
Classification: Benign for Hereditary breast ovarian cancer syndrome. Last evaluated: 2026-01-25. Review status: criteria provided, single submitter. Criteria: Invitae Variant Classification Sherloc (09022015). Collection method: clinical testing. Allele origin: germline.

Quest Diagnostics Nichols Institute San Juan Capistrano
Classification: Likely benign. Last evaluated: 2025-10-01. Review status: criteria provided, single submitter. Criteria: Quest Diagnostics criteria. Collection method: clinical testing. Allele origin: unknown.

Mayo Clinic Laboratories, Mayo Clinic
Classification: Likely benign. Last evaluated: 2025-09-17. Review status: criteria provided, single submitter. Criteria: ACMG Guidelines, 2015. Collection method: clinical testing. Allele origin: germline. Observed: 2 variant alleles.
Comment: BS1_supporting, BP4

Blueprint Genetics
Classification: Likely benign. Last evaluated: 2024-09-02. Review status: criteria provided, single submitter. Criteria: ACMG Guidelines, 2015. Collection method: clinical testing. Allele origin: germline.

Institute for Biomarker Research, Medical Diagnostic Laboratories, L.L.C.
Classification: Benign for Hereditary breast ovarian cancer syndrome. Last evaluated: 2024-04-29. Review status: criteria provided, single submitter. Criteria: ACMG Guidelines, 2015. Collection method: clinical testing. Allele origin: germline.

Sema4
Classification: Likely benign for Hereditary cancer-predisposing syndrome. Last evaluated: 2021-10-02. Review status: criteria provided, single submitter. Criteria: Sema4 Curation Guidelines. Collection method: curation. Allele origin: germline.

GeneDx
Classification: Likely benign. Last evaluated: 2020-09-04. Review status: criteria provided, single submitter. Criteria: GeneDx Variant Classification Process June 2021. Collection method: clinical testing. Allele origin: germline. Affected: yes.
Comment: This variant is associated with the following publications: (PMID: 25682074, 18284688, 28678401, 28873162, 22228431, 20960228, 24884479, 19043619)

Women's Health and Genetics/Laboratory Corporation of America, LabCorp
Classification: Benign. Last evaluated: 2017-07-27. Review status: criteria provided, single submitter. Criteria: LabCorp Variant Classification Summary - May 2015. Collection method: clinical testing. Allele origin: germline.
Comment: Variant summary: The BRCA2 c.9085G>A (p.Ala3029Thr) variant involves the alteration of a conserved nucleotide and results in a replacement of a small size and hydrophobic Alanine (A) with a medium size and polar Threonine (T). 5/5 in silico tools predict a damaging outcome for this substitution. This variant was found in 6/117622 control chromosomes at a frequency of 0.000051, which does not exceed the estimated maximal expected allele frequency of a pathogenic BRCA2 variant (0.0007503). This variant has been reported in multiple breast and/or ovarian patients; however, without strong evidence for causality. These co-occurrence data strongly suggest the variant to be benign. In support a benign outcome, a likelihood ratio in favor of protein loss of function was calculated to be neutral (Karchin_2008). In addition, multiple clinical diagnostic laboratories/reputable databases classified this variant as benign/likely benign, including two laboratories have classified this variant as benign and likely benign, respectively, since last internal update. Taken together, this variant is classified as benign.

Color Diagnostics, LLC DBA Color Health
Classification: Likely benign for Hereditary cancer-predisposing syndrome. Last evaluated: 2015-09-09. Review status: criteria provided, single submitter. Criteria: ACMG Guidelines, 2015. Collection method: clinical testing. Allele origin: germline.

Ambry Genetics
Classification: Benign for Hereditary cancer-predisposing syndrome. Last evaluated: 2014-08-07. Review status: criteria provided, single submitter. Criteria: Ambry Variant Classification Scheme 2023. Collection method: clinical testing. Allele origin: germline.

Clinical and Functional Genomics Group, A.C.Camargo Cancer Center
Classification: Uncertain significance for Breast Cancer. Review status: criteria provided, single submitter. Criteria: Silva et al. (BMC Med Genet. 2014). Collection method: research. Allele origin: germline. Affected: yes.

BRCAlab, Lund University
Classification: Uncertain significance for Breast-ovarian cancer, familial, susceptibility to, 2. Last evaluated: 2020-03-02. Review status: no assertion criteria provided. Collection method: clinical testing. Allele origin: germline. Affected: yes. Not counted in ClinVar's aggregate classification.

Sharing Clinical Reports Project (SCRP)
Classification: Benign for Breast-ovarian cancer, familial 2. Last evaluated: 2008-10-02. Review status: no assertion criteria provided. Collection method: clinical testing. Allele origin: germline. Not counted in ClinVar's aggregate classification.

Breast Cancer Information Core (BIC) (BRCA2)
Classification: Uncertain significance for Breast-ovarian cancer, familial 2. Last evaluated: 2002-05-29. Review status: no assertion criteria provided. Collection method: clinical testing. Allele origin: germline. Affected: yes. Observed: 13 variant alleles. Not counted in ClinVar's aggregate classification.

Department of Pathology and Laboratory Medicine, Sinai Health System
Classification: Likely benign for Malignant tumor of breast. Review status: no assertion criteria provided. Collection method: clinical testing. Allele origin: unknown. Affected: yes. Study: The Canadian Open Genetics Repository (COGR). Not counted in ClinVar's aggregate classification.
Comment: The BRCA2 p.Ala3029Thr variant was identified in 5 of 5332 proband chromosomes (frequency: 0.0009) from individuals or families with head and neck squamous cell carcinoma orbreast or ovarian cancer (Lee 2008, Laitman 2011, Wong-Brown 2015, Silva 2014, Chandrasekharappa 2017). The variant was identified in dbSNP (rs56179254) as â€šÃ„Ãºwith other alleleâ€šÃ„Ã¹, ClinVar (classified as benign by Invitae, Ambry Genetics, Integrated Genetics and 2 other submitters; as likely benign by Color, GeneDx, and two other submitters; and as uncertain significance by BIC and A.C.Camargo Cancer Center), LOVD 3.0 (observed 1x) and UMD-LSDB (observed 3x). The variant was identified in control databases in 18 of 249,750 chromosomes at a frequency of 0.00007 (Genome Aggregation Database Feb 27, 2017). The variant was observed in the following populations: Ashkenazi Jewish in 17 of 10,048 chromosomes (freq: 0.002, increasing the likelihood this could be a low frequency benign variant ) and European in 1 of 112,594 chromosomes (freq: 0.000009), while itwas not observed in the African, Latino, East Asian, Finnish, Other or South Asian populations. The variant was reported in UMD-LSDB as co-occurring with a pathogenic BRCA2 variant (c.7436-2A>G) and in BIC as co-occurring with pathogenic BRCA1 variants (p.Gln1756Profs*74 and p.Glu23Valfs*17). The p.Ala3029Thr residue is not conserved in mammals and computational analyses (PolyPhen-2, SIFT, AlignGVGD, BLOSUM) provide inconsistent predictions regarding the impact to the protein; this information is not very predictive of pathogenicity. The variant occurs outside of the splicing consensus sequence and in silico or computational prediction software programs (SpliceSiteFinder, MaxEntScan, NNSPLICE, GeneSplicer) do not predict a difference in splicing. In summary, based on the above information, the clinical significance of this variant cannot be determined with certainty at this time although we would lean towards a more benign role for this variant. This variant is classified as likely benign.

Literature cited by the submitters: PubMed 24884479 (cited by Quest Diagnostics Nichols Institute San Juan Capistrano and Women's Health and Genetics/Laboratory Corporation of America, LabCorp); PubMed 20960228 (cited by Quest Diagnostics Nichols Institute San Juan Capistrano and Women's Health and Genetics/Laboratory Corporation of America, LabCorp); PubMed 18284688 (cited by Quest Diagnostics Nichols Institute San Juan Capistrano and Women's Health and Genetics/Laboratory Corporation of America, LabCorp); PubMed 19043619 (cited by Quest Diagnostics Nichols Institute San Juan Capistrano and Women's Health and Genetics/Laboratory Corporation of America, LabCorp); PubMed 25682074 (cited by Quest Diagnostics Nichols Institute San Juan Capistrano and Women's Health and Genetics/Laboratory Corporation of America, LabCorp); PubMed 33471991 (cited by Quest Diagnostics Nichols Institute San Juan Capistrano); PubMed 31131967 (cited by Quest Diagnostics Nichols Institute San Juan Capistrano); PubMed 28678401 (cited by Quest Diagnostics Nichols Institute San Juan Capistrano); PubMed 32885271 (cited by Quest Diagnostics Nichols Institute San Juan Capistrano); PubMed 38153744 (cited by Quest Diagnostics Nichols Institute San Juan Capistrano); PubMed 25203624 (cited by Quest Diagnostics Nichols Institute San Juan Capistrano); PubMed 10923033 (cited by Quest Diagnostics Nichols Institute San Juan Capistrano); PubMed 39779848 (cited by Quest Diagnostics Nichols Institute San Juan Capistrano); PubMed 31825140 (cited by Quest Diagnostics Nichols Institute San Juan Capistrano); PubMed 22228431 (cited by Quest Diagnostics Nichols Institute San Juan Capistrano); PubMed 23469205 (cited by Clinical and Functional Genomics Group, A.C.Camargo Cancer Center).